The following is an entry in ClinVar:

NM_182961.4(SYNE1):c.4596C>T (p.Tyr1532=)

Gene: SYNE1 (spectrin repeat containing nuclear envelope protein 1; minus strand). Cytogenetic location: 6q25.2.
Variant type: single nucleotide variant.
Coding change: c.4596C>T on transcript NM_182961.4 (MANE Select); coding-DNA position 4596, C replaced by T.
Protein change: p.Tyr1532=; no amino-acid change (tyrosine 1532 retained).
Molecular consequence: synonymous variant.
Genome position (GRCh38, 1-based): chr6:152,430,575, G>A on the plus strand (C>T on the coding strand, the complement: SYNE1 is on the minus strand). VCF-style: chr6-152430575-G-A. GRCh37 (hg19) VCF-style: chr6-152751710-G-A.
Other names: c.4617C>T, p.Tyr1539= (NM_033071.5).
Identifiers: ClinVar variation 285591 (VCV000285591.36), dbSNP rs138264334, ClinGen allele CA4058520.

ClinVar aggregate classification (germline): Benign/Likely benign. Review status: criteria provided, multiple submitters, no conflicts (2 of 4 stars). 9 submissions from 8 submitters: Benign (3); Likely benign (5). 1 of the submissions does not count toward it. Last evaluated 2026-01-27.

Conditions:
SYNE1-related disorder. Also called: SYNE1-related disease; SYNE1-related condition; SYNE1-related disorders.
Emery-Dreifuss muscular dystrophy 4, autosomal dominant (EDMD4). Also called: EMERY-DREIFUSS MUSCULAR DYSTROPHY 4 WITH VARIABLE FEATURES. Identifiers: Orphanet 261, MedGen C2751807, MONDO:0013071, OMIM 612998.
Autosomal recessive ataxia, Beauce type. Also called: SYNE1 Deficiency; SYNE1-Related Autosomal Recessive Cerebellar Ataxia; ATAXIA, RECESSIVE, OF BEAUCE; Spinocerebellar ataxia, autosomal recessive 8. Identifiers: Orphanet 88644, MedGen C1853116, MONDO:0012549, OMIM 610743.

Allele frequency attached by ClinVar (database versions not stated): gnomAD exomes 0.00049; ExAC 0.00058; 1000 Genomes Project 0.00160; gnomAD 0.00177 and 0.00191; 1000 Genomes Project 30x 0.00187; ESP Exome Variant Server 0.00200; TOPMed 0.00207.
gnomAD v4.1: 582 of 1,614,010 alleles (0.036%); highest among the groups gnomAD compares: African/African-American, 0.63%; 1 homozygote.

Submissions (9):

Labcorp Genetics (formerly Invitae), Labcorp
Classification: Benign for Emery-Dreifuss muscular dystrophy 4, autosomal dominant; Autosomal recessive ataxia, Beauce type. Last evaluated: 2026-01-27. Review status: criteria provided, single submitter. Criteria: Invitae Variant Classification Sherloc (09022015). Collection method: clinical testing. Allele origin: germline.

CeGaT Center for Human Genetics Tuebingen
Classification: Likely benign. Last evaluated: 2025-04-01. Review status: criteria provided, single submitter. Criteria: CeGaT Center For Human Genetics Tuebingen Variant Classification Criteria Version 2. Collection method: clinical testing. Allele origin: germline. Affected: yes. Observed: 1 variant allele.
Comment: SYNE1: BP4, BP7

Blueprint Genetics
Classification: Likely benign. Last evaluated: 2024-06-11. Review status: criteria provided, single submitter. Criteria: ACMG Guidelines, 2015. Collection method: clinical testing. Allele origin: germline.

GeneDx
Classification: Likely benign. Last evaluated: 2021-03-12. Review status: criteria provided, single submitter. Criteria: GeneDx Variant Classification Process June 2021. Collection method: clinical testing. Allele origin: germline. Affected: yes.

Athena Diagnostics
Classification: Benign. Last evaluated: 2018-08-09. Review status: criteria provided, single submitter. Criteria: Athena Diagnostics Criteria. Collection method: clinical testing. Allele origin: germline.

Illumina Laboratory Services, Illumina
Classification: Benign for Emery-Dreifuss muscular dystrophy 4, autosomal dominant. Last evaluated: 2018-01-13. Review status: criteria provided, single submitter. Criteria: ICSL Variant Classification Criteria 13 December 2019. Collection method: clinical testing. Allele origin: germline.
Comment: This variant was observed in the ICSL laboratory as part of a predisposition screen in an ostensibly healthy population. It had not been previously curated by ICSL or reported in the Human Gene Mutation Database (HGMD: prior to June 1st, 2018), and was therefore a candidate for classification through an automated scoring system. Utilizing variant allele frequency, disease prevalence and penetrance estimates, and inheritance mode, an automated score was calculated to assess if this variant is too frequent to cause the disease. Based on the score and internal cut-off values, a variant classified as benign is not then subjected to further curation. The score for this variant resulted in a classification of benign for this disease.

Illumina Laboratory Services, Illumina
Classification: Likely benign for Autosomal recessive ataxia, Beauce type. Last evaluated: 2018-01-13. Review status: criteria provided, single submitter. Criteria: ICSL Variant Classification Criteria 13 December 2019. Collection method: clinical testing. Allele origin: germline.
Comment: This variant was observed in the ICSL laboratory as part of a predisposition screen in an ostensibly healthy population. It had not been previously curated by ICSL or reported in the Human Gene Mutation Database (HGMD: prior to June 1st, 2018), and was therefore a candidate for classification through an automated scoring system. Utilizing variant allele frequency, disease prevalence and penetrance estimates, and inheritance mode, an automated score was calculated to assess if this variant is too frequent to cause the disease. Based on the score and internal cut-off values, a variant classified as likely benign is not then subjected to further curation. The score for this variant resulted in a classification of likely benign for this disease.

Eurofins Ntd Llc (ga)
Classification: Likely benign. Last evaluated: 2016-01-21. Review status: criteria provided, single submitter. Criteria: EGL Classification Definitions 2015. Collection method: clinical testing. Allele origin: germline. Observed: 3 variant alleles, 3 heterozygotes.

PreventionGenetics, part of Exact Sciences
Classification: Likely benign for SYNE1-related condition. Last evaluated: 2019-11-25. Review status: no assertion criteria provided. Collection method: clinical testing. Allele origin: germline. Not counted in ClinVar's aggregate classification.
Comment: This variant is classified as likely benign based on ACMG/AMP sequence variant interpretation guidelines (Richards et al. 2015 PMID: 25741868, with internal and published modifications).